The following is an entry in ClinVar:

NM_000077.5(CDKN2A):c.15G>A (p.Ala5=)

Gene: CDKN2A (cyclin dependent kinase inhibitor 2A; minus strand). Cytogenetic location: 9p21.3.
Variant type: single nucleotide variant.
Coding change: c.15G>A on transcript NM_000077.5; coding-DNA position 15, G replaced by A.
Protein change: p.Ala5=; no amino-acid change (alanine 5 retained).
Molecular consequence: synonymous variant (on NM_000077.6). On other transcripts: intron variant (2).
Genome position (GRCh38, 1-based): chr9:21,974,813, C>T on the plus strand (G>A on the coding strand, the complement: CDKN2A is on the minus strand). VCF-style: chr9-21974813-C-T. GRCh37 (hg19) VCF-style: chr9-21974812-C-T.
Other names: c.15G>A, p.Ala5= (NM_000077.6, NM_001195132.2, NM_058197.5); c.-3-3605G>A (NM_001363763.2); c.194-3605G>A (NM_058195.4).
Identifiers: ClinVar variation 2129711 (VCV002129711.5), dbSNP rs768278082, ClinGen allele CA5012338.

ClinVar aggregate classification (germline): Benign/Likely benign. Review status: criteria provided, multiple submitters, no conflicts (2 of 4 stars). 2 submissions from 2 submitters: Benign (1); Likely benign (1). Last evaluated 2025-08-13.

Conditions:
Melanoma-pancreatic cancer syndrome. Identifiers: Orphanet 404560, MedGen C1838547, MONDO:0011713, OMIM 606719. Disease mechanism: loss of function.
Familial melanoma. Also called: Hereditary melanoma; Hereditary cutaneous melanoma. Identifiers: Orphanet 618, MedGen C1512419, MONDO:0018961.

Submissions (2):

Myriad Genetics, Inc.
Classification: Benign for Melanoma-pancreatic cancer syndrome. Last evaluated: 2025-08-13. Review status: criteria provided, single submitter. Criteria: Myriad Autosomal Dominant, Autosomal Recessive and X-Linked Classification Criteria (2023). Collection method: clinical testing. Allele origin: unknown.
Comment: This variant is considered benign. This variant is a silent/synonymous amino acid change and it is not expected to impact splicing.

Labcorp Genetics (formerly Invitae), Labcorp
Classification: Likely benign for Familial melanoma. Last evaluated: 2022-07-22. Review status: criteria provided, single submitter. Criteria: Invitae Variant Classification Sherloc (09022015). Collection method: clinical testing. Allele origin: germline.